The following is an entry in ClinVar:

NM_007294.4(BRCA1):c.1277_1292del (p.Ser426fs)

Gene: BRCA1 (BRCA1 DNA repair associated; minus strand). Cytogenetic location: 17q21.31.
Variant type: Deletion.
Coding change: c.1277_1292del on transcript NM_007294.4 (MANE Select); coding-DNA positions 1277 to 1292, 16 bases deleted (CAGAGAAAATAGACTT).
Protein change: p.Ser426fs; shifts the reading frame from serine 426.
Molecular consequence: frameshift variant. On other transcripts: intron variant (137).
Genome position (GRCh38, 1-based): chr17:43,094,239-43,094,254, AAGTCTATTTTCTCTG deleted on the plus strand (CAGAGAAAATAGACTT on the coding strand, the reverse complement: BRCA1 is on the minus strand); deleting any 16 consecutive bases within chr17:43,094,239-43,094,257 gives the same sequence; the c. name uses the placement nearest the transcript's 3' end. VCF-style (leftmost placement, unchanged base first): chr17-43094238-TAAGTCTATTTTCTCTG-T. GRCh37 (hg19) VCF-style: chr17-41246255-TAAGTCTATTTTCTCTG-T.
Other names: c.1277_1292del, p.Ser426fs (NM_001407639.1, NM_001407640.1, NM_001407641.1 and 30 more transcripts); c.1274_1289del, p.Ser425fs (NM_001407644.1, NM_001407645.1, NM_001407860.1 and 22 more transcripts); c.1268_1283del, p.Ser423fs (NM_001407646.1, NM_001407647.1); c.1154_1169del, p.Ser385fs (NM_001407648.1, NM_001407664.1, NM_001407665.1 and 19 more transcripts); c.1151_1166del, p.Ser384fs (NM_001407649.1, NM_001407670.1, NM_001407671.1 and 11 more transcripts); c.1199_1214del, p.Ser400fs (NM_001407653.1, NM_001407654.1, NM_001407655.1 and 4 more transcripts); c.1196_1211del, p.Ser399fs (NM_001407659.1, NM_001407660.1, NM_001407661.1 and 1 more transcripts); c.1136_1151del, p.Ser379fs (NM_001407692.1, NM_001407694.1, NM_001407695.1 and 29 more transcripts); and 41 more; short protein forms S426fs, S379fs, S258fs, S298fs, S314fs, S356fs, S399fs, S423fs.
Identifiers: ClinVar variation 927208 (VCV000927208.10), dbSNP rs2053962732, ClinGen allele CA913188891.

ClinVar aggregate classification (germline): Pathogenic. Review status: criteria provided, multiple submitters, no conflicts (2 of 4 stars). 2 submissions from 2 submitters: Pathogenic (2). Last evaluated 2022-09-22.

Conditions:
Hereditary cancer-predisposing syndrome. Also called: Neoplastic Syndromes, Hereditary; Hereditary Cancer Syndrome; Tumor predisposition; Hereditary neoplastic syndrome. Identifiers: Orphanet 140162, MedGen C0027672, MeSH D009386, MONDO:0015356.
Hereditary breast ovarian cancer syndrome. Also called: Hereditary breast and ovarian cancer syndrome; Hereditary breast and ovarian cancer syndrome (HBOC); Hereditary breast and/or ovarian cancer syndrome; Hereditary breast and ovarian cancer; Breast and ovarian cancer; BRCA1- and BRCA2-Associated Hereditary Breast and Ovarian Cancer. Identifiers: Orphanet 145, MedGen C0677776, MeSH D061325, MONDO:0003582. Disease mechanism: loss of function.

Submissions (2):

Labcorp Genetics (formerly Invitae), Labcorp
Classification: Pathogenic for Hereditary breast ovarian cancer syndrome. Last evaluated: 2022-09-22. Review status: criteria provided, single submitter. Criteria: Invitae Variant Classification Sherloc (09022015). Collection method: clinical testing. Allele origin: germline.
Comment: This sequence change creates a premature translational stop signal (p.Ser426Tyrfs*10) in the BRCA1 gene. It is expected to result in an absent or disrupted protein product. Loss-of-function variants in BRCA1 are known to be pathogenic (PMID: 20104584). This variant is not present in population databases (gnomAD no frequency). This premature translational stop signal has been observed in individual(s) with breast cancer (PMID: 30287823). ClinVar contains an entry for this variant (Variation ID: 927208). For these reasons, this variant has been classified as Pathogenic.

Color Diagnostics, LLC DBA Color Health
Classification: Pathogenic for Hereditary cancer-predisposing syndrome. Last evaluated: 2020-01-15. Review status: criteria provided, single submitter. Criteria: ACMG Guidelines, 2015. Collection method: clinical testing. Allele origin: germline.
Comment: This variant deletes 16 nucleotides in exon 10 of the BRCA1 gene, creating a frameshift and premature translation stop signal. This variant is expected to result in an absent or non-functional protein product. This variant has not been identified in the general population by the Genome Aggregation Database (gnomAD). Loss of BRCA1 function is a known mechanism of disease. Based on the available evidence, this variant is classified as Pathogenic.

Literature cited by the submitters: PubMed 20104584 (cited by Labcorp Genetics (formerly Invitae), Labcorp); PubMed 30287823 (cited by Labcorp Genetics (formerly Invitae), Labcorp).